The following is an entry in ClinVar:

NM_172351.3(CD46):c.802A>G (p.Ile268Val)

Gene: CD46 (CD46 molecule; plus strand). Cytogenetic location: 1q32.2.
Variant type: single nucleotide variant.
Coding change: c.802A>G on transcript NM_172351.3 (MANE Select); coding-DNA position 802, A replaced by G.
Protein change: p.Ile268Val; replaces isoleucine 268 with valine.
Molecular consequence: missense variant.
Genome position (GRCh38, 1-based): chr1:207,767,141, A>G. VCF-style: chr1-207767141-A-G. GRCh37 (hg19) VCF-style: chr1-207940486-A-G.
Other names: c.802A>G, p.Ile268Val (NM_172355.3, NM_172356.3, NM_172357.3 and 8 more transcripts); short protein forms I268V.
Identifiers: ClinVar variation 2889054 (VCV002889054.3), dbSNP rs779117047, ClinGen allele CA1371732.

ClinVar aggregate classification (germline): Uncertain significance (1 of 4 stars; one submission).

Allele frequency attached by ClinVar (database versions not stated): ExAC 0.00001; gnomAD exomes 0.00001; TOPMed 0.00001; gnomAD 0.00002.
gnomAD v4.1: 14 of 1,613,828 alleles (0.00087%); highest among the groups gnomAD compares: East Asian, 0.0067%; no homozygotes.

Submission:

Labcorp Genetics (formerly Invitae), Labcorp
Classification: Uncertain significance. Last evaluated: 2024-09-12. Review status: criteria provided, single submitter. Criteria: Invitae Variant Classification Sherloc (09022015). Collection method: clinical testing. Allele origin: germline.
Comment: This sequence change replaces isoleucine, which is neutral and non-polar, with valine, which is neutral and non-polar, at codon 268 of the CD46 protein (p.Ile268Val). This variant is present in population databases (rs779117047, gnomAD 0.006%). This variant has not been reported in the literature in individuals affected with CD46-related conditions. Invitae Evidence Modeling of protein sequence and biophysical properties (such as structural, functional, and spatial information, amino acid conservation, physicochemical variation, residue mobility, and thermodynamic stability) indicates that this missense variant is not expected to disrupt CD46 protein function with a negative predictive value of 80%. In summary, the available evidence is currently insufficient to determine the role of this variant in disease. Therefore, it has been classified as a Variant of Uncertain Significance.